The following is an entry in ClinVar:

NM_014845.6(FIG4):c.252G>A (p.Ser84=)

Gene: FIG4 (FIG4 phosphoinositide 5-phosphatase; plus strand). Cytogenetic location: 6q21.
Variant type: single nucleotide variant.
Coding change: c.252G>A on transcript NM_014845.6 (MANE Select); coding-DNA position 252, G replaced by A.
Protein change: p.Ser84=; no amino-acid change (serine 84 retained).
Molecular consequence: synonymous variant.
Genome position (GRCh38, 1-based): chr6:109,716,531, G>A. VCF-style: chr6-109716531-G-A. GRCh37 (hg19) VCF-style: chr6-110037734-G-A.
Identifiers: ClinVar variation 916995 (VCV000916995.11), dbSNP rs532895784, ClinGen allele CA3955718.

ClinVar aggregate classification (germline): Likely benign. Review status: criteria provided, multiple submitters, no conflicts (2 of 4 stars). 3 submissions from 3 submitters: Likely benign (3). Last evaluated 2026-02-16.

Conditions:
FIG4-related disorder. Also called: FIG4-related condition; FIG4-related disorders.
Charcot-Marie-Tooth disease. Also called: Charcot-Marie-Tooth Neuropathy; Charcot-Marie-Tooth Hereditary Neuropathy. Identifiers: Orphanet 166, MedGen C0007959, MONDO:0015626.
Charcot-Marie-Tooth disease type 4. Also called: Charcot-Marie-Tooth disease, type IV; Charcot-Marie-Tooth, Type 4. Identifiers: Orphanet 64749, MedGen C4082197, MONDO:0018995.

Allele frequency attached by ClinVar (database versions not stated): gnomAD 0.00001; gnomAD exomes 0.00001; ExAC 0.00002; TOPMed 0.00005; 1000 Genomes Project 0.00020; 1000 Genomes Project 30x 0.00031.
gnomAD v4.1: 34 of 1,613,900 alleles (0.0021%); highest among the groups gnomAD compares: African/African-American, 0.004%; no homozygotes.

Submissions (3):

PreventionGenetics, part of Exact Sciences
Classification: Likely benign for FIG4-related condition. Last evaluated: 2026-02-16. Review status: criteria provided, single submitter. Criteria: ACMG Guidelines, 2015. Collection method: clinical testing. Allele origin: germline.
Comment: This variant is classified as likely benign based on ACMG/AMP sequence variant interpretation guidelines (Richards et al. 2015 PMID: 25741868, with internal and published modifications).

Labcorp Genetics (formerly Invitae), Labcorp
Classification: Likely benign for Charcot-Marie-Tooth disease type 4. Last evaluated: 2025-05-24. Review status: criteria provided, single submitter. Criteria: Invitae Variant Classification Sherloc (09022015). Collection method: clinical testing. Allele origin: germline.

Molecular Genetics Laboratory, London Health Sciences Centre
Classification: Likely benign for Charcot-Marie-Tooth disease. Review status: criteria provided, single submitter. Criteria: ACMG Guidelines, 2015. Collection method: clinical testing. Allele origin: germline. Affected: yes.